The following is an entry in ClinVar:

ClinVar aggregate classification (germline): Uncertain significance. Review status: criteria provided, multiple submitters, no conflicts (2 of 4 stars). 2 submissions from 2 submitters: Uncertain significance (2). Last evaluated 2025-01-23.

Conditions:
Hypertrophic cardiomyopathy. Also called: HYPERTROPHIC MYOCARDIOPATHY. Identifiers: Orphanet 217569, MedGen C0007194, MeSH D002312, MONDO:0005045, HP:0001639.
Cardiovascular phenotype. Identifiers: MedGen CN230736.

Submissions (2):

Ambry Genetics
Classification: Uncertain significance for Cardiovascular phenotype. Last evaluated: 2025-01-23. Review status: criteria provided, single submitter. Criteria: Ambry Variant Classification Scheme 2023. Collection method: clinical testing. Allele origin: germline.
Comment: The p.L714F variant (also known as c.2140C>T), located in coding exon 17 of the MYH7 gene, results from a C to T substitution at nucleotide position 2140. The leucine at codon 714 is replaced by phenylalanine, an amino acid with highly similar properties. This amino acid position is highly conserved in available vertebrate species. In addition, this alteration is predicted to be deleterious by in silico analysis. Based on the available evidence, the clinical significance of this variant remains unclear.

Labcorp Genetics (formerly Invitae), Labcorp
Classification: Uncertain significance for Hypertrophic cardiomyopathy. Last evaluated: 2023-08-20. Review status: criteria provided, single submitter. Criteria: Invitae Variant Classification Sherloc (09022015). Collection method: clinical testing. Allele origin: germline.
Comment: Advanced modeling of protein sequence and biophysical properties (such as structural, functional, and spatial information, amino acid conservation, physicochemical variation, residue mobility, and thermodynamic stability) performed at Invitae indicates that this missense variant is expected to disrupt MYH7 protein function. In summary, the available evidence is currently insufficient to determine the role of this variant in disease. Therefore, it has been classified as a Variant of Uncertain Significance. This variant has not been reported in the literature in individuals affected with MYH7-related conditions. This variant is not present in population databases (gnomAD no frequency). This sequence change replaces leucine, which is neutral and non-polar, with phenylalanine, which is neutral and non-polar, at codon 714 of the MYH7 protein (p.Leu714Phe).

NM_000257.4(MYH7):c.2140C>T (p.Leu714Phe)

Gene: MYH7 (myosin heavy chain 7; minus strand). Cytogenetic location: 14q11.2.
Variant type: single nucleotide variant.
Coding change: c.2140C>T on transcript NM_000257.4 (MANE Select); coding-DNA position 2140, C replaced by T.
Protein change: p.Leu714Phe; replaces leucine 714 with phenylalanine.
Molecular consequence: missense variant.
Genome position (GRCh38, 1-based): chr14:23,425,986, G>A on the plus strand (C>T on the coding strand, the complement: MYH7 is on the minus strand). VCF-style: chr14-23425986-G-A. GRCh37 (hg19) VCF-style: chr14-23895195-G-A.
Other names: c.2140C>T, p.Leu714Phe (NM_001407004.1); short protein forms L714F.
Identifiers: ClinVar variation 2754140 (VCV002754140.4), dbSNP rs1892682030, ClinGen allele CA389049046.